The following is an entry in ClinVar:

NM_031885.5(BBS2):c.1120C>T (p.Arg374Trp)

Gene: BBS2 (Bardet-Biedl syndrome 2; minus strand). Cytogenetic location: 16q13.
Variant type: single nucleotide variant.
Coding change: c.1120C>T on transcript NM_031885.5 (MANE Select); coding-DNA position 1120, C replaced by T.
Protein change: p.Arg374Trp; replaces arginine 374 with tryptophan.
Molecular consequence: missense variant. On other transcripts: non-coding transcript variant (5).
Genome position (GRCh38, 1-based): chr16:56,501,458, G>A on the plus strand (C>T on the coding strand, the complement: BBS2 is on the minus strand). VCF-style: chr16-56501458-G-A. GRCh37 (hg19) VCF-style: chr16-56535370-G-A.
Other names: c.1120C>T, p.Arg374Trp (NM_001377456.1); short protein forms R374W.
Identifiers: ClinVar variation 949257 (VCV000949257.9), dbSNP rs143607562, ClinGen allele CA8065827.

ClinVar aggregate classification (germline): Uncertain significance. Review status: criteria provided, multiple submitters, no conflicts (2 of 4 stars). 6 submissions from 6 submitters: Uncertain significance (4). 2 of the submissions do not count toward it. Last evaluated 2023-10-01.

Conditions:
BBS2-related disorder. Also called: BBS2-related disorders; BBS2-related condition. Identifiers: MedGen CN239228.
Retinal dystrophy. Also called: Inherited retinal dystrophy. Identifiers: Orphanet 71862, MedGen C0854723, MeSH D058499, MONDO:0019118, HP:0000556.
Bardet-Biedl syndrome (BBS). Identifiers: Orphanet 110, MedGen C0752166, MONDO:0015229.
Retinitis pigmentosa 74 (RP74). Identifiers: Orphanet 791, MedGen C4225281, MONDO:0014692, OMIM 616562.
Bardet-Biedl syndrome 2 (BBS2). Identifiers: Orphanet 110, MedGen C2936863, MONDO:0014432, OMIM 615981.

Allele frequency attached by ClinVar (database versions not stated): ExAC 0.00003; gnomAD 0.00003; gnomAD exomes 0.00003 and 0.00005; TOPMed 0.00006; ESP Exome Variant Server 0.00008.
gnomAD v4.1: 83 of 1,613,934 alleles (0.0051%); highest among the groups gnomAD compares: East Asian, 0.0067%; no homozygotes.

Submissions (6):

Dept Of Ophthalmology, Nagoya University
Classification: Uncertain significance for Retinal dystrophy. Last evaluated: 2023-10-01. Review status: criteria provided, single submitter. Criteria: Submitter's publication. Collection method: research. Allele origin: germline. Affected: yes.

Blueprint Genetics
Classification: Uncertain significance. Last evaluated: 2023-06-13. Review status: criteria provided, single submitter. Criteria: ACMG Guidelines, 2015. Collection method: clinical testing. Allele origin: germline.

Labcorp Genetics (formerly Invitae), Labcorp
Classification: Uncertain significance for Bardet-Biedl syndrome. Last evaluated: 2022-11-01. Review status: criteria provided, single submitter. Criteria: Invitae Variant Classification Sherloc (09022015). Collection method: clinical testing. Allele origin: germline.
Comment: This sequence change replaces arginine, which is basic and polar, with tryptophan, which is neutral and slightly polar, at codon 374 of the BBS2 protein (p.Arg374Trp). The frequency data for this variant in the population databases is considered unreliable, as metrics indicate poor data quality at this position in the gnomAD database. This variant has not been reported in the literature in individuals affected with BBS2-related conditions. ClinVar contains an entry for this variant (Variation ID: 949257). Advanced modeling of protein sequence and biophysical properties (such as structural, functional, and spatial information, amino acid conservation, physicochemical variation, residue mobility, and thermodynamic stability) performed at Invitae indicates that this missense variant is not expected to disrupt BBS2 protein function. Algorithms developed to predict the effect of sequence changes on RNA splicing suggest that this variant may disrupt the consensus splice site. In summary, the available evidence is currently insufficient to determine the role of this variant in disease. Therefore, it has been classified as a Variant of Uncertain Significance.

Fulgent Genetics
Classification: Uncertain significance for Bardet-Biedl syndrome 2; Retinitis pigmentosa 74. Last evaluated: 2021-12-21. Review status: criteria provided, single submitter. Criteria: ACMG Guidelines, 2015. Collection method: clinical testing. Allele origin: unknown.

PreventionGenetics, part of Exact Sciences
Classification: Uncertain significance for BBS2-related condition. Last evaluated: 2024-09-06. Review status: no assertion criteria provided. Collection method: clinical testing. Allele origin: germline. Not counted in ClinVar's aggregate classification.
Comment: The BBS2 c.1120C>T variant is predicted to result in the amino acid substitution p.Arg374Trp. To our knowledge, this variant has not been reported in the literature. This variant is reported in 0.0080% of alleles in individuals of African descent in gnomAD. At this time, the clinical significance of this variant is uncertain due to the absence of conclusive functional and genetic evidence.

Natera, Inc.
Classification: Uncertain significance for Bardet-Biedl syndrome type 2. Last evaluated: 2020-09-25. Review status: no assertion criteria provided. Collection method: clinical testing. Allele origin: germline. Not counted in ClinVar's aggregate classification.